The following is an entry in ClinVar:

NM_001326342.2(CELF2):c.1272C>T (p.Ser424=)

Genes: CELF2 (CUGBP Elav-like family member 2; plus strand), CELF2-AS1 (CELF2 antisense RNA 1; minus strand). Cytogenetic location: 10p14.
Variant type: single nucleotide variant.
Coding change: c.1272C>T on transcript NM_001326342.2 (MANE Select); coding-DNA position 1272, C replaced by T.
Protein change: p.Ser424=; no amino-acid change (serine 424 retained).
Molecular consequence: synonymous variant. On other transcripts: intron variant (1).
Genome position (GRCh38, 1-based): chr10:11,321,364, C>T. VCF-style: chr10-11321364-C-T. GRCh37 (hg19) VCF-style: chr10-11363327-C-T.
Other names: c.1179C>T, p.Ser393= (NM_001025076.2, NM_001326318.2, NM_001326320.2 and 6 more transcripts); c.1233C>T, p.Ser411= (NM_001025077.3, NM_001326319.2, NM_001326332.2); c.1173C>T, p.Ser391= (NM_001083591.1); c.1161C>T, p.Ser387= (NM_001326317.2, NM_001326329.2, NM_001326344.2 and 2 more transcripts); c.1203C>T, p.Ser401= (NM_001326321.2); c.1221C>T, p.Ser407= (NM_001326323.2); c.1326C>T, p.Ser442= (NM_001326325.2, NM_001326343.2); c.1269C>T, p.Ser423= (NM_001326326.2); and 14 more.
Identifiers: ClinVar variation 4872337 (VCV004872337.2).

ClinVar aggregate classification (germline): Likely benign (1 of 4 stars; one submission).

gnomAD v4.1: 712 of 1,607,762 alleles (0.044%); highest among the groups gnomAD compares: African/African-American, 0.82%; 2 homozygotes.

Submission:

CeGaT Center for Human Genetics Tuebingen
Classification: Likely benign. Last evaluated: 2026-06-01. Review status: criteria provided, single submitter. Criteria: CeGaT Center For Human Genetics Tuebingen Variant Classification Criteria Version 2. Collection method: clinical testing. Allele origin: germline. Affected: yes. Observed: 1 variant allele.
Comment: CELF2: BP4, BP7